The following is an entry in ClinVar:

NM_001379500.1(COL18A1):c.107-12292G>A

Gene: COL18A1 (collagen type XVIII alpha 1 chain; plus strand). Cytogenetic location: 21q22.3.
Variant type: single nucleotide variant.
Coding change: c.107-12292G>A on transcript NM_001379500.1 (MANE Select); 12292 bases into the intron before coding-DNA position 107, G replaced by A.
Molecular consequence: intron variant. On other transcripts: synonymous variant (2).
Genome position (GRCh38, 1-based): chr21:45,455,950, G>A. VCF-style: chr21-45455950-G-A. GRCh37 (hg19) VCF-style: chr21-46875864-G-A.
Other names: c.420G>A, p.Ala140= (NM_030582.4, NM_130444.3); c.420G>A (NM_030582.3).
Identifiers: ClinVar variation 1150090 (VCV001150090.12), dbSNP rs570643977, ClinGen allele CA10065471.

ClinVar aggregate classification (germline): Likely benign. Review status: criteria provided, multiple submitters, no conflicts (2 of 4 stars). 4 submissions from 4 submitters: Likely benign (3). 1 of the submissions does not count toward it. Last evaluated 2025-12-23.

Conditions:
COL18A1-related disorder. Also called: COL18A1-related disorders; COL18A1-related condition.

Allele frequency attached by ClinVar (database versions not stated): TOPMed 0.00014; gnomAD exomes 0.00015; ExAC 0.00016.
gnomAD v4.1: 314 of 1,612,952 alleles (0.019%); highest among the groups gnomAD compares: Middle Eastern, 0.033%; no homozygotes.

Submissions (4):

Labcorp Genetics (formerly Invitae), Labcorp
Classification: Likely benign. Last evaluated: 2025-12-23. Review status: criteria provided, single submitter. Criteria: Invitae Variant Classification Sherloc (09022015). Collection method: clinical testing. Allele origin: germline.

Blueprint Genetics
Classification: Likely benign. Last evaluated: 2024-10-10. Review status: criteria provided, single submitter. Criteria: ACMG Guidelines, 2015. Collection method: clinical testing. Allele origin: germline.

Breakthrough Genomics
Classification: Likely benign. Review status: criteria provided, single submitter. Criteria: ACMG Guidelines, 2015. Collection method: not provided. Allele origin: germline. Inheritance: Autosomal recessive inheritance. Affected: yes.

PreventionGenetics, part of Exact Sciences
Classification: Likely benign for COL18A1-related condition. Last evaluated: 2022-04-14. Review status: no assertion criteria provided. Collection method: clinical testing. Allele origin: germline. Not counted in ClinVar's aggregate classification.
Comment: This variant is classified as likely benign based on ACMG/AMP sequence variant interpretation guidelines (Richards et al. 2015 PMID: 25741868, with internal and published modifications).